The following is an entry in ClinVar:

NC_000002.11:g.(?_227872041)_(227872324_?)del

Gene: COL4A4 (collagen type IV alpha 4 chain; minus strand). Cytogenetic location: 2q36.3.
Variant type: Deletion.
Identifiers: ClinVar variation 1459227 (VCV001459227.6).

ClinVar aggregate classification (germline): Pathogenic (1 of 4 stars; one submission).

Submission:

Labcorp Genetics (formerly Invitae), Labcorp
Classification: Pathogenic. Last evaluated: 2021-01-03. Review status: criteria provided, single submitter. Criteria: Invitae Variant Classification Sherloc (09022015). Collection method: clinical testing. Allele origin: germline.
Comment: For these reasons, this variant has been classified as Pathogenic. This variant disrupts the C-terminus of the COL4A4 protein. Other variant(s) that disrupt this region (p.Ala1675Valfs*8) have been determined to be pathogenic (Invitae). This suggests that variants that disrupt this region of the protein are likely to be causative of disease. This variant has not been reported in the literature in individuals with COL4A4-related conditions. This variant is a gross deletion of the genomic region encompassing exon(s) 48 of the COL4A4 gene. The 5' boundary is likely confined to intron 47. The 3' end of this event is unknown as it extends through the termination codon beyond the assayed region for this gene and may encompass additional genes. While this deletion is not anticipated to lead to nonsense mediated decay, it is expected to alter mRNA translation or result in a truncated protein product.